The following is an entry in ClinVar:

NM_001048174.2(MUTYH):c.412T>A (p.Ser138Thr)

Gene: MUTYH (mutY DNA glycosylase; minus strand). Cytogenetic location: 1p34.1.
Variant type: single nucleotide variant.
Coding change: c.412T>A on transcript NM_001048174.2 (MANE Select); coding-DNA position 412, T replaced by A.
Protein change: p.Ser138Thr; replaces serine 138 with threonine.
Molecular consequence: missense variant. On other transcripts: non-coding transcript variant (6), intron variant (4).
Genome position (GRCh38, 1-based): chr1:45,332,926, A>T on the plus strand (T>A on the coding strand, the complement: MUTYH is on the minus strand). VCF-style: chr1-45332926-A-T. GRCh37 (hg19) VCF-style: chr1-45798598-A-T.
Other names: c.412T>A, p.Ser138Thr (NM_001048173.2, NM_001293195.2, NM_001407070.1 and 5 more transcripts); c.496T>A, p.Ser166Thr (NM_001128425.2); c.457T>A, p.Ser153Thr (NM_001293190.2); c.445T>A, p.Ser149Thr (NM_001293191.2, NM_001407077.1); c.136T>A, p.Ser46Thr (NM_001293192.2, NM_001293196.2, NM_001407091.1); c.67T>A, p.Ser23Thr (NM_001350650.2, NM_001350651.2, NM_001407082.1); c.415T>A, p.Ser139Thr (NM_001407071.1, NM_001048172.2, NM_001407078.1 and 1 more transcripts); c.487T>A, p.Ser163Thr (NM_012222.3); and 7 more; short protein forms S110T, S139T, S153T, S145T, S163T, S23T, S46T, S138T.
Identifiers: ClinVar variation 4113695 (VCV004113695.1).

ClinVar aggregate classification (germline): Uncertain significance (1 of 4 stars; one submission).

Conditions:
Hereditary cancer-predisposing syndrome. Also called: Hereditary neoplastic syndrome; Neoplastic Syndromes, Hereditary; Tumor predisposition; Hereditary Cancer Syndrome. Identifiers: Orphanet 140162, MedGen C0027672, MeSH D009386, MONDO:0015356.

Submission:

Ambry Genetics
Classification: Uncertain significance for Hereditary cancer-predisposing syndrome. Last evaluated: 2025-08-27. Review status: criteria provided, single submitter. Criteria: Ambry Variant Classification Scheme 2023. Collection method: clinical testing. Allele origin: germline.
Comment: The p.S166T variant (also known as c.496T>A), located in coding exon 6 of the MUTYH gene, results from a T to A substitution at nucleotide position 496. The serine at codon 166 is replaced by threonine, an amino acid with similar properties. This amino acid position is conserved. In addition, this alteration is predicted to be tolerated by in silico analysis. Based on the available evidence, the clinical significance of this variant remains unclear.